The following is an entry in ClinVar:

NM_001330700.2(TOP2B):c.1901A>G (p.Tyr634Cys)

Gene: TOP2B (DNA topoisomerase II beta; minus strand). Cytogenetic location: 3p24.2.
Variant type: single nucleotide variant.
Coding change: c.1901A>G on transcript NM_001330700.2 (MANE Select); coding-DNA position 1901, A replaced by G.
Protein change: p.Tyr634Cys; replaces tyrosine 634 with cysteine.
Molecular consequence: missense variant.
Genome position (GRCh38, 1-based): chr3:25,628,852, T>C on the plus strand (A>G on the coding strand, the complement: TOP2B is on the minus strand). VCF-style: chr3-25628852-T-C. GRCh37 (hg19) VCF-style: chr3-25670343-T-C.
Other names: c.1886A>G, p.Tyr629Cys (NM_001068.3); short protein forms Y629C, Y634C.
Identifiers: ClinVar variation 985599 (VCV000985599.8), dbSNP rs1702879491, ClinGen allele CA351906864.

ClinVar aggregate classification (germline): Conflicting classifications of pathogenicity. Review status: criteria provided, conflicting classifications (1 of 4 stars). 3 submissions from 3 submitters: Likely pathogenic (1); Uncertain significance (2). Last evaluated 2024-11-11.

Conditions:
Inborn genetic diseases. Identifiers: MedGen C0950123, MeSH D030342.

Submissions (3):

Labcorp Genetics (formerly Invitae), Labcorp
Classification: Uncertain significance. Last evaluated: 2024-11-11. Review status: criteria provided, single submitter. Criteria: Invitae Variant Classification Sherloc (09022015). Collection method: clinical testing. Allele origin: germline.
Comment: This sequence change replaces tyrosine, which is neutral and polar, with cysteine, which is neutral and slightly polar, at codon 629 of the TOP2B protein (p.Tyr629Cys). This variant is not present in population databases (gnomAD no frequency). This variant has not been reported in the literature in individuals affected with TOP2B-related conditions. ClinVar contains an entry for this variant (Variation ID: 985599). An algorithm developed to predict the effect of missense changes on protein structure and function (PolyPhen-2) suggests that this variant is likely to be disruptive. In summary, the available evidence is currently insufficient to determine the role of this variant in disease. Therefore, it has been classified as a Variant of Uncertain Significance.

GeneDx
Classification: Likely pathogenic. Last evaluated: 2023-09-20. Review status: criteria provided, single submitter. Criteria: GeneDx Variant Classification Process June 2021. Collection method: clinical testing. Allele origin: germline.
Comment: Not observed at significant frequency in large population cohorts (gnomAD); In silico analysis supports that this missense variant has a deleterious effect on protein structure/function; Has not been previously published as pathogenic or benign to our knowledge

Ambry Genetics
Classification: Uncertain significance for Inborn genetic diseases. Last evaluated: 2018-06-13. Review status: criteria provided, single submitter. Criteria: Ambry exome assertion method (8-5-2015). Collection method: clinical testing. Allele origin: germline. Affected: yes. Observed: 1 variant allele.